The following is an entry in ClinVar:

NM_201253.3(CRB1):c.3451G>T (p.Gly1151Ter)

Gene: CRB1 (crumbs cell polarity complex component 1; plus strand). Cytogenetic location: 1q31.3.
Variant type: single nucleotide variant.
Coding change: c.3451G>T on transcript NM_201253.3 (MANE Select); coding-DNA position 3451, G replaced by T.
Protein change: p.Gly1151Ter; replaces glycine 1151 with a stop codon.
Molecular consequence: nonsense. On other transcripts: non-coding transcript variant (2), intron variant (1).
Genome position (GRCh38, 1-based): chr1:197,435,314, G>T. VCF-style: chr1-197435314-G-T. GRCh37 (hg19) VCF-style: chr1-197404444-G-T.
Other names: c.3115G>T, p.Gly1039Ter (NM_001193640.2); c.3379G>T, p.Gly1127Ter (NM_001257965.2); c.2129-286G>T (NM_001257966.2); short protein forms G1039*, G1127*, G1151*.
Identifiers: ClinVar variation 866662 (VCV000866662.9), dbSNP rs1558138741, ClinGen allele CA344048009.

ClinVar aggregate classification (germline): Pathogenic/Likely pathogenic. Review status: criteria provided, multiple submitters, no conflicts (2 of 4 stars). 5 submissions from 3 submitters: Pathogenic (4); Likely pathogenic (1). Last evaluated 2023-04-11.

Conditions:
Leber congenital amaurosis 8 (LCA8). Identifiers: Orphanet 65, MedGen C3151202, MONDO:0013453, OMIM 613835.
Retinitis pigmentosa 12 (RP12). Also called: RP WITH OR WITHOUT PPRPE; RP WITH OR WITHOUT PRESERVED PARAARTERIOLE RETINAL PIGMENT EPITHELIUM; RETINITIS PIGMENTOSA WITH OR WITHOUT PARAARTERIOLAR PRESERVATION OF RETINAL PIGMENT EPITHELIUM. Identifiers: Orphanet 791, MedGen C1838647, MONDO:0010818, OMIM 600105.
CRB1-related disorder. Also called: CRB1-related condition; CRB1-related disorders.
Pigmented paravenous retinochoroidal atrophy. Identifiers: Orphanet 251295, MedGen C1868310, MONDO:0008246, OMIM 172870.

Allele frequency attached by ClinVar (database versions not stated): gnomAD exomes below 0.00001.
gnomAD v4.1: 1 of 1,613,790 alleles (0.000062%); highest among the groups gnomAD compares: Admixed American, 0.0017%; no homozygotes.

Submissions (5):

Genome-Nilou Lab
Classification: Pathogenic for Leber congenital amaurosis 8. Last evaluated: 2023-04-11. Review status: criteria provided, single submitter. Criteria: ACMG Guidelines, 2015. Collection method: clinical testing. Allele origin: germline. Affected: no.

Genome-Nilou Lab
Classification: Pathogenic for Pigmented paravenous retinochoroidal atrophy. Last evaluated: 2023-04-11. Review status: criteria provided, single submitter. Criteria: ACMG Guidelines, 2015. Collection method: clinical testing. Allele origin: germline. Affected: no.

Genome-Nilou Lab
Classification: Pathogenic for Retinitis pigmentosa 12. Last evaluated: 2023-04-11. Review status: criteria provided, single submitter. Criteria: ACMG Guidelines, 2015. Collection method: clinical testing. Allele origin: germline. Affected: no.

Labcorp Genetics (formerly Invitae), Labcorp
Classification: Pathogenic for Leber congenital amaurosis 8; Retinitis pigmentosa 12. Last evaluated: 2022-07-26. Review status: criteria provided, single submitter. Criteria: Invitae Variant Classification Sherloc (09022015). Collection method: clinical testing. Allele origin: germline.
Comment: For these reasons, this variant has been classified as Pathogenic. ClinVar contains an entry for this variant (Variation ID: 866662). This variant has not been reported in the literature in individuals affected with CRB1-related conditions. This variant is not present in population databases (gnomAD no frequency). This sequence change creates a premature translational stop signal (p.Gly1151*) in the CRB1 gene. It is expected to result in an absent or disrupted protein product. Loss-of-function variants in CRB1 are known to be pathogenic (PMID: 10508521, 22065545, 23379534, 25412400, 26957898, 28041643, 29391521).

Blueprint Genetics
Classification: Likely pathogenic for CRB1-related disorders. Last evaluated: 2019-08-07. Review status: criteria provided, single submitter. Criteria: ACMG Guidelines, 2015. Collection method: clinical testing. Allele origin: germline. Affected: yes. Observed: 1 variant allele.

Literature cited by the submitters: PubMed 10508521 (cited by Labcorp Genetics (formerly Invitae), Labcorp); PubMed 22065545 (cited by Labcorp Genetics (formerly Invitae), Labcorp); PubMed 23379534 (cited by Labcorp Genetics (formerly Invitae), Labcorp); PubMed 25412400 (cited by Labcorp Genetics (formerly Invitae), Labcorp); PubMed 26957898 (cited by Labcorp Genetics (formerly Invitae), Labcorp); PubMed 28041643 (cited by Labcorp Genetics (formerly Invitae), Labcorp); PubMed 29391521 (cited by Labcorp Genetics (formerly Invitae), Labcorp).